The following is an entry in ClinVar:

NM_001291815.2(HMCN2):c.2043T>C (p.Asn681=)

Gene: HMCN2 (hemicentin 2; plus strand). Cytogenetic location: 9q34.11.
Variant type: single nucleotide variant.
Coding change: c.2043T>C on transcript NM_001291815.2 (MANE Select); coding-DNA position 2043, T replaced by C.
Protein change: p.Asn681=; no amino-acid change (asparagine 681 retained).
Molecular consequence: synonymous variant.
Genome position (GRCh38, 1-based): chr9:130,306,895, T>C. VCF-style: chr9-130306895-T-C. GRCh37 (hg19) VCF-style: chr9-133069174-T-C.
Identifiers: ClinVar variation 2659583 (VCV002659583.24), dbSNP rs200362767, ClinGen allele CA5281972.

ClinVar aggregate classification (germline): Likely benign (1 of 4 stars; one submission).

Allele frequency attached by ClinVar (database versions not stated): 1000 Genomes Project 0.00120; 1000 Genomes Project 30x 0.00125; gnomAD 0.00222; TOPMed 0.00232; ExAC 0.00255; gnomAD exomes 0.00300.
gnomAD v4.1: 1,286 of 471,036 alleles (0.27%); highest among the groups gnomAD compares: Non-Finnish European, 0.41%; 12 homozygotes.

Submission:

CeGaT Center for Human Genetics Tuebingen
Classification: Likely benign. Last evaluated: 2022-09-01. Review status: criteria provided, single submitter. Criteria: CeGaT Center For Human Genetics Tuebingen Variant Classification Criteria Version 2. Collection method: clinical testing. Allele origin: germline. Affected: yes. Observed: 1 variant allele.
Comment: HMCN2: BP4, BP7